The following is an entry in ClinVar:

ClinVar aggregate classification (germline): Uncertain significance. Review status: criteria provided, multiple submitters, no conflicts (2 of 4 stars). 2 submissions from 2 submitters: Uncertain significance (2). Last evaluated 2024-06-16.

Conditions:
Ehlers-Danlos syndrome, dermatosparaxis type. Also called: Dermatosparaxis; Ehlers-Danlos syndrome, type VII, autosomal recessive; EDS VIIC. Identifiers: Orphanet 1901, MedGen C2700425, MONDO:0009161, OMIM 225410.

Allele frequency attached by ClinVar (database versions not stated): gnomAD exomes below 0.00001.
gnomAD v4.1: 5 of 1,551,472 alleles (0.00032%); highest among the groups gnomAD compares: South Asian, 0.0059%; no homozygotes.

Submissions (2):

Fulgent Genetics
Classification: Uncertain significance for Ehlers-Danlos syndrome, dermatosparaxis type. Last evaluated: 2024-06-16. Review status: criteria provided, single submitter. Criteria: ACMG Guidelines, 2015. Collection method: clinical testing. Allele origin: germline.

Labcorp Genetics (formerly Invitae), Labcorp
Classification: Uncertain significance for Ehlers-Danlos syndrome, dermatosparaxis type. Last evaluated: 2021-09-24. Review status: criteria provided, single submitter. Criteria: Invitae Variant Classification Sherloc (09022015). Collection method: clinical testing. Allele origin: germline.
Comment: This sequence change replaces arginine with lysine at codon 1021 of the ADAMTS2 protein (p.Arg1021Lys). The arginine residue is highly conserved and there is a small physicochemical difference between arginine and lysine. This variant is not present in population databases (ExAC no frequency). This variant has not been reported in the literature in individuals with ADAMTS2-related conditions. Algorithms developed to predict the effect of missense changes on protein structure and function are either unavailable or do not agree on the potential impact of this missense change (SIFT: "Tolerated"; PolyPhen-2: "Possibly Damaging"; Align-GVGD: "Class C0"). In summary, the available evidence is currently insufficient to determine the role of this variant in disease. Therefore, it has been classified as a Variant of Uncertain Significance.

NM_014244.5(ADAMTS2):c.3062G>A (p.Arg1021Lys)

Gene: ADAMTS2 (ADAM metallopeptidase with thrombospondin type 1 motif 2; minus strand). Cytogenetic location: 5q35.3.
Variant type: single nucleotide variant.
Coding change: c.3062G>A on transcript NM_014244.5 (MANE Select); coding-DNA position 3062, G replaced by A.
Protein change: p.Arg1021Lys; replaces arginine 1021 with lysine.
Molecular consequence: missense variant.
Genome position (GRCh38, 1-based): chr5:179,122,670, C>T on the plus strand (G>A on the coding strand, the complement: ADAMTS2 is on the minus strand). VCF-style: chr5-179122670-C-T. GRCh37 (hg19) VCF-style: chr5-178549671-C-T.
Other names: short protein forms R1021K.
Identifiers: ClinVar variation 1411568 (VCV001411568.6), dbSNP rs2113181448, ClinGen allele CA362417922.